The following is an entry in ClinVar:

NM_000219.6(KCNE1):c.45G>T (p.Lys15Asn)

Gene: KCNE1 (potassium voltage-gated channel subfamily E regulatory subunit 1; minus strand). Cytogenetic location: 21q22.12.
Variant type: single nucleotide variant.
Coding change: c.45G>T on transcript NM_000219.6 (MANE Select); coding-DNA position 45, G replaced by T.
Protein change: p.Lys15Asn; replaces lysine 15 with asparagine.
Molecular consequence: missense variant.
Genome position (GRCh38, 1-based): chr21:34,449,590, C>A on the plus strand (G>T on the coding strand, the complement: KCNE1 is on the minus strand). VCF-style: chr21-34449590-C-A. GRCh37 (hg19) VCF-style: chr21-35821888-C-A.
Other names: c.45G>T, p.Lys15Asn (NM_001127668.4, NM_001127669.4, NM_001127670.4 and 4 more transcripts); short protein forms K15N.
Identifiers: ClinVar variation 3373897 (VCV003373897.2).

Conditions:
Long QT syndrome 5 (LQT5). Identifiers: Orphanet 101016, Orphanet 768, MedGen C1867904, MONDO:0013372, OMIM 613695.

Submission:

Roden Lab, Vanderbilt University Medical Center
No classification provided (evidence only). Condition: Long QT syndrome 5. Review status: no classification provided. Collection method: in vitro. Allele origin: not applicable. Functional consequence: Effect on ion channel function.
ClinVar note: "not provided" was previously submitted as the classification for the variant. However, the classification appeared to be based only on an observation of functional data so it was converted to no classification on 2025-07-30.